The following is an entry in ClinVar:

ClinVar aggregate classification (germline): Pathogenic/Likely pathogenic. Review status: criteria provided, multiple submitters, no conflicts (2 of 4 stars). 4 submissions from 4 submitters: Pathogenic (3); Likely pathogenic (1). Last evaluated 2026-04-29.

Conditions:
Tumor predisposition syndrome 2 (TPDS2). Also called: MBD4-associated neoplasia syndrome (MANS); MBD4-ASSOCIATED NEOPLASIA SYNDROME; MBD4-Related Tumor Predisposition Syndrome. Identifiers: Orphanet 661526, MedGen C5774186, MONDO:0859267, OMIM 619975.
Inborn genetic diseases. Identifiers: MedGen C0950123, MeSH D030342.
MBD4-related disorder. Also called: MBD4-related condition.

Submissions (4):

PreventionGenetics, part of Exact Sciences
Classification: Likely pathogenic for MBD4-related condition. Last evaluated: 2026-04-29. Review status: criteria provided, single submitter. Criteria: ACMG Guidelines, 2015. Collection method: clinical testing. Allele origin: germline.
Comment: The MBD4 c.1231_1234delAGAA variant is predicted to result in a frameshift and premature protein termination (p.Arg411Glyfs*79). To our knowledge, this variant has not been reported in the literature. This variant is reported in 0.0046% of alleles in individuals of European (Finnish) descent in gnomAD. This variant is interpreted as pathogenic in the ClinVar database (Variation ID: 1976297). Frameshift variants in MBD4 are expected to be pathogenic. This variant is interpreted as likely pathogenic.

Labcorp Genetics (formerly Invitae), Labcorp
Classification: Pathogenic. Last evaluated: 2026-01-05. Review status: criteria provided, single submitter. Criteria: Invitae Variant Classification Sherloc (09022015). Collection method: clinical testing. Allele origin: germline.
Comment: This sequence change creates a premature translational stop signal (p.Arg411Glyfs*79) in the MBD4 gene. It is expected to result in an absent or disrupted protein product. Loss-of-function variants in MBD4 are known to be pathogenic (PMID: 30049810, 35460607). This variant is present in population databases (rs754769076, gnomAD 0.004%). This variant has not been reported in the literature in individuals affected with MBD4-related conditions. For these reasons, this variant has been classified as Pathogenic.

Myriad Genetics, Inc.
Classification: Pathogenic for Tumor predisposition syndrome 2. Last evaluated: 2025-12-10. Review status: criteria provided, single submitter. Criteria: Myriad Autosomal Dominant, Autosomal Recessive and X-Linked Classification Criteria (2023). Collection method: clinical testing. Allele origin: unknown.
Comment: This variant is considered pathogenic. This variant creates a frameshift predicted to result in premature protein truncation.

Ambry Genetics
Classification: Pathogenic for Inborn genetic diseases. Last evaluated: 2025-03-17. Review status: criteria provided, single submitter. Criteria: Ambry Variant Classification Scheme 2023. Collection method: clinical testing. Allele origin: germline.
Comment: The c.1213_1216delAGAA pathogenic mutation, located in coding exon 4 of the MBD4 gene, results from a deletion of 4 nucleotides at nucleotide positions 1213 to 1216, causing a translational frameshift with a predicted alternate stop codon (p.R405Gfs*79). This alteration is expected to result in loss of function by premature protein truncation or nonsense-mediated mRNA decay. As such, this alteration is interpreted as a disease-causing mutation.

Literature cited by the submitters: PubMed 30049810 (cited by Labcorp Genetics (formerly Invitae), Labcorp); PubMed 35460607 (cited by Labcorp Genetics (formerly Invitae), Labcorp).

NM_001276270.2(MBD4):c.1213_1216del (p.Arg405fs)

Gene: MBD4 (methyl-CpG binding domain 4, DNA glycosylase; minus strand). Cytogenetic location: 3q21.3.
Variant type: Microsatellite.
Coding change: c.1213_1216del on transcript NM_001276270.2 (MANE Select); coding-DNA positions 1213 to 1216, 4 bases deleted (AGAA; older notation c.1213_1216delAGAA).
Protein change: p.Arg405fs; shifts the reading frame from arginine 405.
Molecular consequence: frameshift variant.
Genome position (GRCh38, 1-based): chr3:129,434,104-129,434,107, TTCT deleted on the plus strand (AGAA on the coding strand, the reverse complement: MBD4 is on the minus strand); deleting any 4 consecutive bases within chr3:129,434,104-129,434,111 gives the same sequence; the c. name uses the placement nearest the transcript's 3' end. VCF-style (leftmost placement, unchanged base first): chr3-129434103-CTTCT-C. GRCh37 (hg19) VCF-style: chr3-129152946-CTTCT-C.
Other names: c.1213_1216delAGAA (NM_001276270.2); c.1231_1234delAGAA (NM_003925.2); c.1231_1234del, p.Arg411fs (NM_001276271.2, NM_001276272.2, NM_003925.3); c.277_280del, p.Arg93fs (NM_001276273.2); short protein forms R405fs, R411fs, R93fs.
Identifiers: ClinVar variation 1976297 (VCV001976297.8), dbSNP rs754769076, ClinGen allele CA2605374.